The following is an entry in ClinVar:

ClinVar aggregate classification (germline): Uncertain significance (1 of 4 stars; one submission).

Conditions:
Charcot-Marie-Tooth Neuropathy X. Identifiers: MedGen CN118851.

Submission:

Labcorp Genetics (formerly Invitae), Labcorp
Classification: Uncertain significance for Charcot-Marie-Tooth Neuropathy X. Last evaluated: 2021-09-29. Review status: criteria provided, single submitter. Criteria: Invitae Variant Classification Sherloc (09022015). Collection method: clinical testing. Allele origin: germline.
Comment: This sequence change replaces glutamic acid with glutamine at codon 146 of the GJB1 protein (p.Glu146Gln). The glutamic acid residue is highly conserved and there is a small physicochemical difference between glutamic acid and glutamine. This variant is not present in population databases (ExAC no frequency). This missense change has been observed in individuals with clinical features of Charcot-Marie-Tooth disease (PMID: 26454100; Invitae). Algorithms developed to predict the effect of missense changes on protein structure and function (SIFT, PolyPhen-2, Align-GVGD) all suggest that this variant is likely to be disruptive. Algorithms developed to predict the effect of sequence changes on RNA splicing suggest that this variant may create or strengthen a splice site. This variant disrupts the p.Glu146 amino acid residue in GJB1. Other variant(s) that disrupt this residue have been observed in individuals with GJB1-related conditions (PMID: 12402337), which suggests that this may be a clinically significant amino acid residue. In summary, the available evidence is currently insufficient to determine the role of this variant in disease. Therefore, it has been classified as a Variant of Uncertain Significance.

Literature cited by the submitters: PubMed 26454100; PubMed 12402337.

NM_000166.6(GJB1):c.436G>C (p.Glu146Gln)

Gene: GJB1 (gap junction protein beta 1; plus strand). Cytogenetic location: Xq13.1.
Variant type: single nucleotide variant.
Coding change: c.436G>C on transcript NM_000166.6 (MANE Select); coding-DNA position 436, G replaced by C.
Protein change: p.Glu146Gln; replaces glutamic acid 146 with glutamine.
Molecular consequence: missense variant.
Genome position (GRCh38, 1-based): chrX:71,224,143, G>C. VCF-style: chrX-71224143-G-C. GRCh37 (hg19) VCF-style: chrX-70443993-G-C.
Other names: c.436G>C, p.Glu146Gln (NM_001097642.3); short protein forms E146Q.
Identifiers: ClinVar variation 1492573 (VCV001492573.6), dbSNP rs1602349346, ClinGen allele CA413502418.